The following is an entry in ClinVar:

NM_000719.7(CACNA1C):c.4790G>C (p.Ser1597Thr)

Gene: CACNA1C (calcium voltage-gated channel subunit alpha1 C; plus strand). Cytogenetic location: 12p13.33.
Variant type: single nucleotide variant.
Coding change: c.4790G>C on transcript NM_000719.7 (MANE Select); coding-DNA position 4790, G replaced by C.
Protein change: p.Ser1597Thr; replaces serine 1597 with threonine.
Molecular consequence: missense variant.
Genome position (GRCh38, 1-based): chr12:2,674,604, G>C. VCF-style: chr12-2674604-G-C. GRCh37 (hg19) VCF-style: chr12-2783770-G-C.
Other names: c.4934G>C, p.Ser1645Thr (NM_001129827.2, NM_199460.4); c.4913G>C, p.Ser1638Thr (NM_001129829.2); c.4790G>C, p.Ser1597Thr (NM_001129830.3, NM_001129840.2, NM_001129841.2 and 4 more transcripts); c.4874G>C, p.Ser1625Thr (NM_001129831.2); c.4850G>C, p.Ser1617Thr (NM_001129832.2); c.4847G>C, p.Ser1616Thr (NM_001129833.2, NM_001129834.2, NM_001129835.2); c.4841G>C, p.Ser1614Thr (NM_001129836.2); c.4814G>C, p.Ser1605Thr (NM_001129837.2, NM_001129838.2); and 4 more; short protein forms S1586T, S1594T, S1597T, S1603T, S1605T, S1614T, S1616T, S1617T.
Identifiers: ClinVar variation 1677904 (VCV001677904.5), dbSNP rs1356292633, ClinGen allele CA383377788.

ClinVar aggregate classification (germline): Uncertain significance. Review status: criteria provided, multiple submitters, no conflicts (2 of 4 stars). 3 submissions from 3 submitters: Uncertain significance (3). Last evaluated 2025-08-18.

Conditions:
Long QT syndrome (LQTS). Identifiers: MedGen C0023976, MeSH D008133, MONDO:0002442. Disease mechanism: loss of function. Inheritance: Various modes of inheritance.
Cardiovascular phenotype. Identifiers: MedGen CN230736.

Allele frequency attached by ClinVar (database versions not stated): gnomAD 0.00001; gnomAD exomes 0.00001; TOPMed 0.00001.
gnomAD v4.1: 2 of 1,575,118 alleles (0.00013%); highest among the groups gnomAD compares: African/African-American, 0.0027%; no homozygotes.

Submissions (3):

Labcorp Genetics (formerly Invitae), Labcorp
Classification: Uncertain significance for Long QT syndrome. Last evaluated: 2025-08-18. Review status: criteria provided, single submitter. Criteria: Invitae Variant Classification Sherloc (09022015). Collection method: clinical testing. Allele origin: germline.
Comment: This sequence change replaces serine, which is neutral and polar, with threonine, which is neutral and polar, at codon 1597 of the CACNA1C protein (p.Ser1597Thr). The frequency data for this variant in the population databases is considered unreliable, as metrics indicate poor data quality at this position in the gnomAD database. This variant has not been reported in the literature in individuals affected with CACNA1C-related conditions. ClinVar contains an entry for this variant (Variation ID: 1677904). Invitae Evidence Modeling of protein sequence and biophysical properties (such as structural, functional, and spatial information, amino acid conservation, physicochemical variation, residue mobility, and thermodynamic stability) has been performed for this missense variant. However, the output from this modeling did not meet the statistical confidence thresholds required to predict the impact of this variant on CACNA1C protein function. In summary, the available evidence is currently insufficient to determine the role of this variant in disease. Therefore, it has been classified as a Variant of Uncertain Significance.

Ambry Genetics
Classification: Uncertain significance for Cardiovascular phenotype. Last evaluated: 2022-04-28. Review status: criteria provided, single submitter. Criteria: Ambry Variant Classification Scheme 2023. Collection method: clinical testing. Allele origin: germline.

AiLife Diagnostics
Classification: Uncertain significance. Last evaluated: 2022-02-07. Review status: criteria provided, single submitter. Criteria: ACMG Guidelines, 2015. Collection method: clinical testing. Allele origin: germline. Affected: yes. Observed: 1 variant allele.